The following is an entry in ClinVar:

ClinVar aggregate classification (germline): Pathogenic. Review status: reviewed by expert panel (3 of 4 stars). 35 submissions from 35 submitters: Pathogenic (1). 34 of the submissions do not count toward it. Last evaluated 2016-09-08.

Conditions:
BRCA2-related cancer predisposition. Identifiers: MedGen CN377758, MONDO:0700269.
BRCA2-related disorder. Also called: BRCA2-related condition; BRCA2-related disorders. Identifiers: MedGen CN239275.
Breast and/or ovarian cancer. Identifiers: MedGen CN221562.
Hereditary cancer-predisposing syndrome. Also called: Neoplastic Syndromes, Hereditary; Tumor predisposition; Hereditary Cancer Syndrome; Hereditary neoplastic syndrome. Identifiers: Orphanet 140162, MedGen C0027672, MeSH D009386, MONDO:0015356.
Hereditary breast ovarian cancer syndrome. Also called: Hereditary breast and ovarian cancer; Breast and ovarian cancer; Hereditary breast and/or ovarian cancer syndrome; Hereditary breast and ovarian cancer syndrome (HBOC); Hereditary breast and ovarian cancer syndrome; BRCA1- and BRCA2-Associated Hereditary Breast and Ovarian Cancer. Identifiers: Orphanet 145, MedGen C0677776, MeSH D061325, MONDO:0003582. Disease mechanism: loss of function.
Pancreatic cancer, susceptibility to, 2. Identifiers: Orphanet 1333, MedGen C3150546, MONDO:0013235, OMIM 613347.
Breast-ovarian cancer, familial, susceptibility to, 2 (BROVCA2). Also called: BRCA2 Hereditary Breast and Ovarian Cancer. Identifiers: Orphanet 145, MedGen C2675520, MONDO:0012933, OMIM 612555. Disease mechanism: loss of function.
Endometrial carcinoma. Also called: Endometrial carcinoma, somatic. Identifiers: MedGen C0476089, MONDO:0002447, OMIM 608089, HP:0012114.
Breast-ovarian cancer, familial, susceptibility to, 1 (BROVCA1). Also called: OVARIAN CANCER, SUSCEPTIBILITY TO; BRCA1 Hereditary Breast and Ovarian Cancer. Identifiers: Orphanet 145, MedGen C2676676, MONDO:0011450, OMIM 604370. Disease mechanism: loss of function.
Familial cancer of breast. Also called: BREAST CANCER, FAMILIAL; Hereditary breast cancer; hereditary breast carcinoma. Identifiers: Orphanet 227535, MedGen C0346153, MONDO:0016419, OMIM 114480. Disease mechanism: loss of function.

Submissions 1 to 11 of 35:

Evidence-based Network for the Interpretation of Germline Mutant Alleles (ENIGMA)
Classification: Pathogenic for Breast-ovarian cancer, familial, susceptibility to, 2. Last evaluated: 2016-09-08. Review status: reviewed by expert panel. Criteria: ENIGMA BRCA1/2 Classification Criteria (2015). Collection method: curation. Allele origin: germline.
Comment: Variant allele predicted to encode a truncated non-functional protein.

Department of Clinical Genetics, Copenhagen University Hospital, Rigshospitalet
Classification: Pathogenic for Familial cancer of breast. Last evaluated: 2026-02-24. Review status: criteria provided, single submitter. Criteria: ACMG Guidelines, 2015. Collection method: clinical testing. Allele origin: germline. Not counted in ClinVar's aggregate classification.
Comment: The following ACMG criteria has been used: PVS1; PM5_Strong (PTC)

Labcorp Genetics (formerly Invitae), Labcorp
Classification: Pathogenic for Hereditary breast ovarian cancer syndrome. Last evaluated: 2026-01-26. Review status: criteria provided, single submitter. Criteria: Invitae Variant Classification Sherloc (09022015). Collection method: clinical testing. Allele origin: germline. Not counted in ClinVar's aggregate classification.
Comment: This sequence change creates a premature translational stop signal (p.Thr1738Ilefs*2) in the BRCA2 gene. It is expected to result in an absent or disrupted protein product. Loss-of-function variants in BRCA2 are known to be pathogenic (PMID: 20104584). This variant is present in population databases (rs753870552, gnomAD 0.0009%). This premature translational stop signal has been observed in individual(s) with breast and ovarian cancer (PMID: 11920643, 16683254, 19949876, 24156927, 24504028, 26659639, 27831900). This variant is also known as 5439delTACT. ClinVar contains an entry for this variant (Variation ID: 37951). For these reasons, this variant has been classified as Pathogenic.

GeneDx
Classification: Pathogenic. Last evaluated: 2025-03-10. Review status: criteria provided, single submitter. Criteria: GeneDx Variant Classification Process June 2021. Collection method: clinical testing. Allele origin: germline. Affected: yes. Not counted in ClinVar's aggregate classification.
Comment: Frameshift variant predicted to result in protein truncation or nonsense mediated decay in a gene for which loss of function is a known mechanism of disease; Not observed at significant frequency in large population cohorts (gnomAD); Truncating variants in this gene are considered pathogenic by a well-established clinical consortium and/or database; Also known as 5441_5444delCTTA; This variant is associated with the following publications: (PMID: 26295337, 36367610, 36721989, 36451132, 35864222, 28814288, 31492746, 29922827, 28888541, 29884136, 26689913, 11920643, 24728189, 26659639, 22923021, 24156927, 26577449, 24504028, 21305653, 16683254, 16615107, 18489799, 27831900, 28724667, 28993434, 30720243, 29625052, 31825140, 30787465)

Center for Genomic Medicine, Rigshospitalet, Copenhagen University Hospital
Classification: Pathogenic. Last evaluated: 2025-03-04. Review status: criteria provided, single submitter. Criteria: ACMG Guidelines, 2015. Collection method: clinical testing. Allele origin: germline. Not counted in ClinVar's aggregate classification.

Department of Pathology and Laboratory Medicine, Sinai Health System
Classification: Pathogenic for BRCA2-related cancer predisposition. Last evaluated: 2024-12-09. Review status: criteria provided, single submitter. Criteria: ACMG Guidelines, 2015. Collection method: clinical testing. Allele origin: germline. Not counted in ClinVar's aggregate classification.

Ambry Genetics
Classification: Pathogenic for Hereditary cancer-predisposing syndrome. Last evaluated: 2024-10-31. Review status: criteria provided, single submitter. Criteria: Ambry Variant Classification Scheme 2023. Collection method: clinical testing. Allele origin: germline. Not counted in ClinVar's aggregate classification.
Comment: The c.5213_5216delCTTA pathogenic mutation, located in coding exon 10 of the BRCA2 gene, results from a deletion of 4 nucleotides at nucleotide positions 5213 to 5216, causing a translational frameshift with a predicted alternate stop codon (p.T1738Ifs*2). This alteration has been identified in individuals diagnosed with breast and/or ovarian cancer (Novakovi S et al. Int. J. Oncol. 2012 Nov;41:1619-27; Song H et al. Hum. Mol. Genet. 2014 Sep;23:4703-9; Tea MK et al. Maturitas. 2014 Jan;77:68-72; Francies FZ et al. BMC Cancer. 2015 Nov;15:912; Sun J et al. Clin. Cancer Res., 2017 Oct;23:6113-6119; Wen WX et al. J Med Genet, 2018 02;55:97-103). This alteration was also identified in a large, worldwide study of BRCA1/2 mutation positive families (Rebbeck TR et al. Hum Mutat, 2018 05;39:593-620). In addition to the clinical data presented in the literature, this alteration is expected to result in loss of function by premature protein truncation or nonsense-mediated mRNA decay. As such, this alteration is interpreted as a disease-causing mutation.

Color Diagnostics, LLC DBA Color Health
Classification: Pathogenic for Hereditary cancer-predisposing syndrome. Last evaluated: 2024-06-03. Review status: criteria provided, single submitter. Criteria: ACMG Guidelines, 2015. Collection method: clinical testing. Allele origin: germline. Not counted in ClinVar's aggregate classification.
Comment: This variant deletes 4 nucleotides in exon 11 of the BRCA2 gene, creating a frameshift and premature translation stop signal. This variant is also known as 5441delCTTA, 5439del4 and 5439delTACT in the literature. This variant is expected to result in an absent or non-functional protein product. This variant has been observed in at least ten individuals affected with breast and/or ovarian cancer (PMID: 19949876, 22923021, 24728189, 28993434, 31076742 , 35464868) and multiple hereditary breast and ovarian cancer families (PMID: 11920643, 16683254, 24156927, 29446198 ). This variant has been identified in 1/248142 chromosomes in the general population by the Genome Aggregation Database (gnomAD). Loss of BRCA2 function is a known mechanism of disease. Based on the available evidence, this variant is classified as Pathogenic.

Clinical Genetics Laboratory, Skane University Hospital Lund
Classification: Pathogenic. Last evaluated: 2024-02-16. Review status: criteria provided, single submitter. Criteria: ACMG Guidelines, 2015. Collection method: clinical testing. Allele origin: germline. Affected: yes. Not counted in ClinVar's aggregate classification.

Baylor Genetics
Classification: Pathogenic for Familial cancer of breast. Last evaluated: 2024-02-05. Review status: criteria provided, single submitter. Criteria: ACMG Guidelines, 2015. Collection method: clinical testing. Allele origin: unknown. Not counted in ClinVar's aggregate classification.

All of Us Research Program, National Institutes of Health
Classification: Pathogenic for Breast-ovarian cancer, familial, susceptibility to, 2. Last evaluated: 2023-12-11. Review status: criteria provided, single submitter. Criteria: ACMG Guidelines, 2015. Collection method: clinical testing. Allele origin: germline. Inheritance: Autosomal dominant inheritance. Observed: 2 variant alleles, 2 heterozygotes. Not counted in ClinVar's aggregate classification.
Comment: This variant deletes 4 nucleotides in exon 11 of the BRCA2 gene, creating a frameshift and premature translation stop signal. This variant is also known as 5441delCTTA, 5439del4 and 5439delTACT in the literature. This variant is expected to result in an absent or non-functional protein product. To our knowledge, functional studies have not been reported for this variant. This variant has been observed in at least three individuals affected with breast and/or ovarian cancer (PMID: 19949876, 22923021, 24728189) and multiple hereditary breast and ovarian cancer families (PMID: 11920643, 16683254, 24156927). This variant has been identified in 1/248142 chromosomes in the general population by the Genome Aggregation Database (gnomAD). Loss of BRCA2 function is a known mechanism of disease. Based on the available evidence, this variant is classified as Pathogenic.

This study involves interpretation of variants in research participants for the purpose of population health screening. Participant phenotype was not available at the time of variant classification. Additional details can be found in publication PMID: 35346344, PMCID: PMC8962531

NM_000059.4(BRCA2):c.5213_5216del (p.Thr1738fs)

Gene: BRCA2 (BRCA2 DNA repair associated; plus strand). Cytogenetic location: 13q13.1.
Variant type: Deletion.
Coding change: c.5213_5216del on transcript NM_000059.4 (MANE Select); coding-DNA positions 5213 to 5216, 4 bases deleted (CTTA; older notation c.5213_5216delCTTA).
Protein change: p.Thr1738fs; shifts the reading frame from threonine 1738.
Molecular consequence: frameshift variant.
Genome position (GRCh38, 1-based): chr13:32,339,568-32,339,571, CTTA deleted; deleting any 4 consecutive bases within chr13:32,339,566-32,339,571 gives the same sequence; the c. name uses the placement nearest the transcript's 3' end. VCF-style (leftmost placement, unchanged base first): chr13-32339565-ATACT-A. GRCh37 (hg19) VCF-style: chr13-32913702-ATACT-A.
Other names: NP_000050.3:p.Thr1738IlefsTer2; 5441del4; c.5213_5216delCTTA (NM_000059.3).
Identifiers: ClinVar variation 37951 (VCV000037951.102), dbSNP rs80359493, ClinGen allele CA021707.